The following is an entry in ClinVar:

ClinVar aggregate classification (germline): Uncertain significance (1 of 4 stars; one submission).

Conditions:
Retinoblastoma (RB1). Also called: RETINOBLASTOMA, SOMATIC. Identifiers: Orphanet 790, MedGen C0035335, MeSH D012175, MONDO:0008380, OMIM 180200, HP:0009919. Disease mechanism: loss of function. Inheritance: Both sporadic and heritable forms are tested..

Submission:

Labcorp Genetics (formerly Invitae), Labcorp
Classification: Uncertain significance for Retinoblastoma. Last evaluated: 2025-02-18. Review status: criteria provided, single submitter. Criteria: Invitae Variant Classification Sherloc (09022015). Collection method: clinical testing. Allele origin: germline.
Comment: This variant occurs in a non-coding region of the RB1 gene. It does not change the encoded amino acid sequence of the RB1 protein. This variant is not present in population databases (gnomAD no frequency). This variant has not been reported in the literature in individuals affected with RB1-related conditions. In summary, the available evidence is currently insufficient to determine the role of this variant in disease. Therefore, it has been classified as a Variant of Uncertain Significance.

NM_000321.3(RB1):c.-147G>C

Gene: RB1 (RB transcriptional corepressor 1; plus strand). Cytogenetic location: 13q14.2.
Variant type: single nucleotide variant.
Coding change: c.-147G>C on transcript NM_000321.3 (MANE Select); 147 bases upstream of the start codon, G replaced by C.
Molecular consequence: 5 prime UTR variant.
Genome position (GRCh38, 1-based): chr13:48,303,766, G>C. VCF-style: chr13-48303766-G-C. GRCh37 (hg19) VCF-style: chr13-48877902-G-C.
Other names: c.-147G>C (NM_001407165.1, NM_001407166.1, NM_001407167.1).
Identifiers: ClinVar variation 4711512 (VCV004711512.1).